The following is an entry in ClinVar:

ClinVar aggregate classification (germline): Pathogenic (1 of 4 stars; one submission).

Conditions:
Fanconi anemia (FA). Also called: Fanconi's anemia. Identifiers: Orphanet 84, MedGen C0015625, MeSH D005199, MONDO:0019391.

Submission:

Labcorp Genetics (formerly Invitae), Labcorp
Classification: Pathogenic for Fanconi anemia. Last evaluated: 2023-01-10. Review status: criteria provided, single submitter. Criteria: Invitae Variant Classification Sherloc (09022015). Collection method: clinical testing. Allele origin: germline.
Comment: This sequence change creates a premature translational stop signal (p.Lys1557Glnfs*24) in the SLX4 gene. It is expected to result in an absent or disrupted protein product. Loss-of-function variants in SLX4 are known to be pathogenic (PMID: 21240277). For these reasons, this variant has been classified as Pathogenic. This variant has not been reported in the literature in individuals affected with SLX4-related conditions. This variant is not present in population databases (gnomAD no frequency).

Literature cited by the submitters: PubMed 21240277.

NM_032444.4(SLX4):c.4668dup (p.Lys1557fs)

Gene: SLX4 (SLX4 structure-specific endonuclease subunit; minus strand). Cytogenetic location: 16p13.3.
Variant type: Duplication.
Coding change: c.4668dup on transcript NM_032444.4 (MANE Select); coding-DNA position 4668, one base duplicated (C; older notation c.4668dupC).
Protein change: p.Lys1557fs; shifts the reading frame from lysine 1557.
Molecular consequence: frameshift variant.
Genome position (GRCh38, 1-based): chr16:3,584,840, G duplicated on the plus strand (C on the coding strand, the reverse complement: SLX4 is on the minus strand); the first of 6 consecutive G bases (chr16:3,584,840-3,584,845); duplicating any one gives the same sequence. VCF-style (leftmost placement, unchanged base first): chr16-3584839-T-TG. GRCh37 (hg19) VCF-style: chr16-3634840-T-TG.
Other names: short protein forms K1557fs.
Identifiers: ClinVar variation 2712260 (VCV002712260.3), dbSNP rs752736478, ClinGen allele CA7865555.